The following is an entry in ClinVar:

ClinVar aggregate classification (germline): Uncertain significance (0 of 4 stars; one submission).

Conditions:
H1-4-related disorder. Also called: H1-4-related condition.

Submission:

PreventionGenetics, part of Exact Sciences
Classification: Uncertain significance for H1-4-related condition. Last evaluated: 2024-09-16. Review status: no assertion criteria provided. Collection method: clinical testing. Allele origin: germline.
Comment: The H1-4 c.-1C>G variant is located in the 5' untranslated region. To our knowledge, this variant has not been reported in the literature or in a large population database, indicating this variant is rare. At this time, the clinical significance of this variant is uncertain due to the absence of conclusive functional and genetic evidence.

NM_005321.3(H1-4):c.-1C>G

Gene: H1-4 (H1.4 linker histone, cluster member; plus strand). Cytogenetic location: 6p22.2.
Variant type: single nucleotide variant.
Coding change: c.-1C>G on transcript NM_005321.3 (MANE Select); 1 bases upstream of the start codon, C replaced by G.
Molecular consequence: 5 prime UTR variant.
Genome position (GRCh38, 1-based): chr6:26,156,390, C>G. VCF-style: chr6-26156390-C-G. GRCh37 (hg19) VCF-style: chr6-26156618-C-G.
Identifiers: ClinVar variation 3350462 (VCV003350462.1).
Genomic context (GRCh38, chr6:26,156,390, plus strand): 5'-GAGTCCCGGCCAGTGCCTCTGCTTCCGGCTCGAATTGCTCTCGCTCACGCTTGCCTTCAA[C>G]ATGTCCGAGACTGCGCCTGCCGCGCCCGCTGCTCCGGCCCCTGCCGAGAAGACTCCCGTG-3'